The following is an entry in ClinVar:

ClinVar aggregate classification (germline): Pathogenic/Likely pathogenic. Review status: criteria provided, multiple submitters, no conflicts (2 of 4 stars). 2 submissions from 2 submitters: Pathogenic (1); Likely pathogenic (1). Last evaluated 2025-07-14.

Conditions:
Seizures, benign familial infantile, 5 (BFIS5). Also called: CONVULSIONS, BENIGN FAMILIAL INFANTILE, 5. Identifiers: Orphanet 306, MedGen C4310728, MONDO:0014903, OMIM 617080.
Early-infantile DEE. Also called: Early infantile epileptic encephalopathy with suppression bursts; Early infantile epileptic encephalopathy; Ohtahara syndrome. Identifiers: Orphanet 1934, MedGen C0393706, MONDO:0800491.

Submissions (2):

Labcorp Genetics (formerly Invitae), Labcorp
Classification: Pathogenic for Early-infantile DEE. Last evaluated: 2025-07-14. Review status: criteria provided, single submitter. Criteria: Invitae Variant Classification Sherloc (09022015). Collection method: clinical testing. Allele origin: germline.
Comment: This sequence change replaces alanine, which is neutral and non-polar, with valine, which is neutral and non-polar, at codon 982 of the SCN8A protein (p.Ala982Val). This variant is not present in population databases (gnomAD no frequency). This missense change has been observed in individual(s) with clinical features of SCN8A-related conditions (PMID: 38174099; internal data). In at least one individual the variant was observed to be de novo. ClinVar contains an entry for this variant (Variation ID: 574400). Invitae Evidence Modeling of protein sequence and biophysical properties (such as structural, functional, and spatial information, amino acid conservation, physicochemical variation, residue mobility, and thermodynamic stability) indicates that this missense variant is not expected to disrupt SCN8A protein function with a negative predictive value of 95%. For these reasons, this variant has been classified as Pathogenic.

Institute of Human Genetics, University of Leipzig Medical Center
Classification: Likely pathogenic for Seizures, benign familial infantile, 5. Last evaluated: 2022-05-24. Review status: criteria provided, single submitter. Criteria: ACMG Guidelines, 2015. Collection method: clinical testing. Allele origin: de novo. Affected: yes.
Comment: This variant was identified as de novo (maternity and paternity confirmed)._x000D_ Criteria applied: PS2_MOD, PM1, PM2_SUP, PP3

Literature cited by the submitters: PubMed 38174099 (cited by Labcorp Genetics (formerly Invitae), Labcorp).

NM_001330260.2(SCN8A):c.2945C>T (p.Ala982Val)

Gene: SCN8A (sodium voltage-gated channel alpha subunit 8; plus strand). Cytogenetic location: 12q13.13.
Variant type: single nucleotide variant.
Coding change: c.2945C>T on transcript NM_001330260.2 (MANE Select); coding-DNA position 2945, C replaced by T.
Protein change: p.Ala982Val; replaces alanine 982 with valine.
Molecular consequence: missense variant.
Genome position (GRCh38, 1-based): chr12:51,768,908, C>T. VCF-style: chr12-51768908-C-T. GRCh37 (hg19) VCF-style: chr12-52162692-C-T.
Other names: c.2945C>T, p.Ala982Val (NM_001177984.3, NM_001369788.1, NM_014191.4); short protein forms A982V.
Identifiers: ClinVar variation 574400 (VCV000574400.9), dbSNP rs1565917697, ClinGen allele CA384891835.